The following is an entry in ClinVar:

NM_000212.3(ITGB3):c.100C>T (p.Arg34Ter)

Gene: ITGB3 (integrin subunit beta 3; plus strand). Cytogenetic location: 17q21.32.
Variant type: single nucleotide variant.
Coding change: c.100C>T on transcript NM_000212.3 (MANE Select); coding-DNA position 100, C replaced by T.
Protein change: p.Arg34Ter; replaces arginine 34 with a stop codon.
Molecular consequence: nonsense.
Genome position (GRCh38, 1-based): chr17:47,274,439, C>T. VCF-style: chr17-47274439-C-T. GRCh37 (hg19) VCF-style: chr17-45351805-C-T.
Other names: c.100C>T (NM_000212.2); short protein forms R34*.
Identifiers: ClinVar variation 996193 (VCV000996193.8), dbSNP rs75427428, ClinGen allele CA8622852.
Genomic context (GRCh38, chr17:47,274,439, plus strand): 5'-AGCCAAATCTGGTGCTAATGCCTTTGTCTGTCTGTTGCAGGGCCCAACATCTGTACCACG[C>T]GAGGTGTGAGCTCCTGCCAGCAGTGCCTGGCTGTGAGCCCCATGTGTGCCTGGTGCTCTG-3'

ClinVar aggregate classification (germline): Pathogenic. Review status: reviewed by expert panel (3 of 4 stars). 5 submissions from 5 submitters: Pathogenic (1). 4 of the submissions do not count toward it. Last evaluated 2020-08-27.

Conditions:
Glanzmann thrombasthenia 2. Also called: BLEEDING DISORDER, PLATELET-TYPE, 23. Identifiers: MedGen C5543273, MONDO:0031009, OMIM 619267.
Bleeding disorder, platelet-type, 24. Also called: GLANZMANN THROMBASTHENIA-LIKE WITH MACROTHROMBOCYTOPENIA 2. Identifiers: MedGen C5543280, MONDO:0030996, OMIM 619271.
Myocardial infarction, susceptibility to. Identifiers: MedGen C1832662, MONDO:0012039, OMIM 608446.
Glanzmann thrombasthenia. Also called: Glanzmann's thrombasthenia; PLATELET GLYCOPROTEIN IIb-IIIa DEFICIENCY; BLEEDING DISORDER, PLATELET-TYPE, 2; THROMBASTHENIA OF GLANZMANN AND NAEGELI; Thrombasthenia. Identifiers: Orphanet 849, MedGen C0040015, MONDO:0100326.

Allele frequency attached by ClinVar (database versions not stated): ExAC 0.00002; TOPMed 0.00002; gnomAD 0.00003 and 0.00004.
gnomAD v4.1: 13 of 1,613,336 alleles (0.00081%); highest among the groups gnomAD compares: African/African-American, 0.0067%; no homozygotes.

Submissions (5):

ClinGen Platelet Disorders Variant Curation Expert Panel, ClinGen
Classification: Pathogenic for Glanzmann thrombasthenia. Last evaluated: 2020-08-27. Review status: reviewed by expert panel. Criteria: ClinGen Platelet ACMG Specifications v2. Collection method: curation. Allele origin: germline. Inheritance: Autosomal recessive inheritance.
Comment: The ITGB3 nonsense variant NM_000212.3:c.100C>T (p.Arg34Ter) introduces a premature termination codon and the resulting mRNA product is predicted to undergo nonsense mediated decay, leading to loss of normal protein function. This variant has been observed in homozygosity in two individuals. Although flow cytometry demonstrated a marked reduction in protein surface expression consistent with Glanzmann's thrombasthenia (GT) in both patients, platelet aggregation information was not provided to determine if the individuals' phenotypes are specific for GT. This variant is rare in population databases. In summary, this variant meets criteria to be classified as pathogenic for GT. GT-specific criteria applied: PVS1, PM2_supporting, PM3.

Labcorp Genetics (formerly Invitae), Labcorp
Classification: Pathogenic. Last evaluated: 2025-08-21. Review status: criteria provided, single submitter. Criteria: Invitae Variant Classification Sherloc (09022015). Collection method: clinical testing. Allele origin: germline. Not counted in ClinVar's aggregate classification.
Comment: This sequence change creates a premature translational stop signal (p.Arg34*) in the ITGB3 gene. It is expected to result in an absent or disrupted protein product. Loss-of-function variants in ITGB3 are known to be pathogenic (PMID: 21917754). This variant is present in population databases (rs75427428, gnomAD 0.008%). This premature translational stop signal has been observed in individual(s) with Glanzmann thrombasthenia (PMID: 9450787). ClinVar contains an entry for this variant (Variation ID: 996193). For these reasons, this variant has been classified as Pathogenic.

GeneDx
Classification: Likely pathogenic. Last evaluated: 2025-06-11. Review status: criteria provided, single submitter. Criteria: GeneDx Variant Classification Process June 2021. Collection method: clinical testing. Allele origin: germline. Affected: yes. Not counted in ClinVar's aggregate classification.
Comment: Nonsense variant predicted to result in protein truncation or nonsense mediated decay in a gene for which loss of function is a known mechanism of disease; This variant is associated with the following publications: (PMID: 37647632, 20020534, 9450787)

Fulgent Genetics
Classification: Pathogenic for Myocardial infarction, susceptibility to; Glanzmann thrombasthenia 2; Bleeding disorder, platelet-type, 24. Last evaluated: 2024-06-19. Review status: criteria provided, single submitter. Criteria: ACMG Guidelines, 2015. Collection method: clinical testing. Allele origin: germline. Not counted in ClinVar's aggregate classification.

Clinical Genetics Laboratory, Skane University Hospital Lund
Classification: Pathogenic. Last evaluated: 2022-05-27. Review status: criteria provided, single submitter. Criteria: ACMG Guidelines, 2015. Collection method: clinical testing. Allele origin: germline. Affected: yes. Not counted in ClinVar's aggregate classification.

Literature cited by the submitters: PubMed 9450787 (cited by ClinGen Platelet Disorders Variant Curation Expert Panel, ClinGen and Labcorp Genetics (formerly Invitae), Labcorp); PubMed 21917754 (cited by Labcorp Genetics (formerly Invitae), Labcorp).